The following is an entry in ClinVar:

NM_002693.3(POLG):c.660G>A (p.Trp220Ter)

Genes: POLG (DNA polymerase gamma, catalytic subunit; minus strand), POLGARF (POLG alternative reading frame; minus strand). Cytogenetic location: 15q26.1.
Variant type: single nucleotide variant.
Coding change: c.660G>A on transcript NM_002693.3 (MANE Select); coding-DNA position 660, G replaced by A.
Protein change: p.Trp220Ter; replaces tryptophan 220 with a stop codon.
Molecular consequence: nonsense.
Genome position (GRCh38, 1-based): chr15:89,330,276, C>T on the plus strand (G>A on the coding strand, the complement: POLG is on the minus strand). VCF-style: chr15-89330276-C-T. GRCh37 (hg19) VCF-style: chr15-89873507-C-T.
Other names: c.660G>A, p.Trp220Ter (NM_001126131.2); short protein forms W220*.
Identifiers: ClinVar variation 648373 (VCV000648373.8), dbSNP rs1596360430, ClinGen allele CA393767397.

ClinVar aggregate classification (germline): Pathogenic. Review status: criteria provided, multiple submitters, no conflicts (2 of 4 stars). 2 submissions from 2 submitters: Pathogenic (2). Last evaluated 2024-07-17.

Conditions:
Progressive sclerosing poliodystrophy (MTDPS4A). Also called: NEURONAL DEGENERATION OF CHILDHOOD WITH LIVER DISEASE, PROGRESSIVE; ALPERS PROGRESSIVE INFANTILE POLIODYSTROPHY; Mitochondrial DNA depletion syndrome 4A (Alpers type); Alpers Syndrome; ALPERS DIFFUSE DEGENERATION OF CEREBRAL GRAY MATTER WITH HEPATIC CIRRHOSIS; Alpers-Huttenlocher Syndrome. Identifiers: Orphanet 726, MedGen C0205710, MONDO:0008758, OMIM 203700.
POLG-related disorder. Also called: POLG-related condition; POLG-Related Disorders; POLG-Related Spectrum Disorders. Identifiers: MedGen C4763519.

Submissions (2):

Myriad Genetics, Inc.
Classification: Pathogenic for POLG-related disorder. Last evaluated: 2024-07-17. Review status: criteria provided, single submitter. Criteria: Myriad Autosomal Dominant, Autosomal Recessive and X-Linked Classification Criteria (2023). Collection method: clinical testing. Allele origin: unknown.
Comment: NM_002693.2(POLG):c.660G>A(W220*) is expected to be pathogenic in the context of POLG-related disorders. This variant is predicted to lead to an abnormal or absent protein product due to the creation of a premature termination codon in POLG, a gene where loss-of-function variants are known to be pathogenic. Please note: this variant was assessed in the context of healthy population screening.

Labcorp Genetics (formerly Invitae), Labcorp
Classification: Pathogenic for Progressive sclerosing poliodystrophy. Last evaluated: 2023-05-02. Review status: criteria provided, single submitter. Criteria: Invitae Variant Classification Sherloc (09022015). Collection method: clinical testing. Allele origin: germline.
Comment: This sequence change creates a premature translational stop signal (p.Trp220*) in the POLG gene. It is expected to result in an absent or disrupted protein product. Loss-of-function variants in POLG are known to be pathogenic (PMID: 18546365). This variant is not present in population databases (gnomAD no frequency). This variant has not been reported in the literature in individuals affected with POLG-related conditions. ClinVar contains an entry for this variant (Variation ID: 648373). For these reasons, this variant has been classified as Pathogenic.

Literature cited by the submitters: PubMed 18546365 (cited by Labcorp Genetics (formerly Invitae), Labcorp).